The following is an entry in ClinVar:

NM_001330260.2(SCN8A):c.4951C>G (p.Leu1651Val)

Gene: SCN8A (sodium voltage-gated channel alpha subunit 8; plus strand). Cytogenetic location: 12q13.13.
Variant type: single nucleotide variant.
Coding change: c.4951C>G on transcript NM_001330260.2 (MANE Select); coding-DNA position 4951, C replaced by G.
Protein change: p.Leu1651Val; replaces leucine 1651 with valine.
Molecular consequence: missense variant.
Genome position (GRCh38, 1-based): chr12:51,806,437, C>G. VCF-style: chr12-51806437-C-G. GRCh37 (hg19) VCF-style: chr12-52200221-C-G.
Other names: c.4828C>G, p.Leu1610Val (NM_001177984.3, NM_001369788.1); c.4951C>G, p.Leu1651Val (NM_014191.4); short protein forms L1610V, L1651V.
Identifiers: ClinVar variation 3316620 (VCV003316620.1).

ClinVar aggregate classification (germline): Uncertain significance (1 of 4 stars; one submission).

Conditions:
Inborn genetic diseases. Identifiers: MedGen C0950123, MeSH D030342.

Submission:

Ambry Genetics
Classification: Uncertain significance for Inborn genetic diseases. Last evaluated: 2024-03-25. Review status: criteria provided, single submitter. Criteria: Ambry Variant Classification Scheme 2023. Collection method: clinical testing. Allele origin: germline.
Comment: The c.4951C>G (p.L1651V) alteration is located in exon 27 (coding exon 26) of the SCN8A gene. This alteration results from a C to G substitution at nucleotide position 4951, causing the leucine (L) at amino acid position 1651 to be replaced by a valine (V). This variant was not reported in population-based cohorts in the Genome Aggregation Database (gnomAD). This variant was reported in two individuals with features consistent with SCN8A-related neurodevelopmental disorder, however, clinical details are limited (Ganapathy, 2019; Johannesen, 2019). This amino acid position is highly conserved in available vertebrate species. This missense alteration is located in a region that has a low rate of benign missense variation (Lek, 2016; Firth, 2009). This alteration is predicted to be deleterious by in silico analysis. Based on insufficient or conflicting evidence, the clinical significance of this alteration remains unclear.

Literature cited by the submitters: PubMed 30968951; PubMed 31069529; PubMed 34431999.